The following is an entry in ClinVar:

ClinVar aggregate classification (germline): Benign (0 of 4 stars; one submission).

Conditions:
PRRC2A-related disorder. Also called: PRRC2A-related condition.

Allele frequency attached by ClinVar (database versions not stated): ESP Exome Variant Server 0.00558; 1000 Genomes Project 0.00839; gnomAD 0.00854; 1000 Genomes Project 30x 0.00874; TOPMed 0.00904; ExAC 0.00990.
gnomAD v4.1: 14,981 of 1,538,876 alleles (0.97%); highest among the groups gnomAD compares: Middle Eastern, 9.9%; 194 homozygotes.

Submission:

PreventionGenetics, part of Exact Sciences
Classification: Benign for PRRC2A-related condition. Last evaluated: 2019-02-27. Review status: no assertion criteria provided. Collection method: clinical testing. Allele origin: germline.
Comment: This variant is classified as benign based on ACMG/AMP sequence variant interpretation guidelines (Richards et al. 2015 PMID: 25741868, with internal and published modifications).

NM_004638.4(PRRC2A):c.3106A>C (p.Arg1036=)

Gene: PRRC2A (proline rich coiled-coil 2A; plus strand). Cytogenetic location: 6p21.33.
Variant type: single nucleotide variant.
Coding change: c.3106A>C on transcript NM_004638.4 (MANE Select); coding-DNA position 3106, A replaced by C.
Protein change: p.Arg1036=; no amino-acid change (arginine 1036 retained).
Molecular consequence: synonymous variant.
Genome position (GRCh38, 1-based): chr6:31,631,779, A>C. VCF-style: chr6-31631779-A-C. GRCh37 (hg19) VCF-style: chr6-31599556-A-C.
Other names: c.3106A>C, p.Arg1036= (NM_080686.3).
Identifiers: ClinVar variation 3055241 (VCV003055241.2), dbSNP rs78503551, ClinGen allele CA3715838.
Genomic context (GRCh38, chr6:31,631,779, plus strand): 5'-GAAAGAGTGGGTCCTACCTCTTGCCGGGGTCGGGGCCGAGGCGAGTATTTTGCCAGAGGG[A>C]GGGGTTTTCGGGGGACCTATGGGGGACGAGGGCGGGGAGCCCGAAGCCGGGAATTCCGCA-3'
Protein context (NP_004629.3, residues 1026-1046): RGRGEYFARG[Arg1036=]GFRGTYGGRG